The following is an entry in ClinVar:

ClinVar aggregate classification (germline): Likely benign. Review status: criteria provided, multiple submitters, no conflicts (2 of 4 stars). 2 submissions from 2 submitters: Likely benign (2). Last evaluated 2026-01-01.

Allele frequency attached by ClinVar (database versions not stated): ExAC 0.00003.
gnomAD v4.1: 11 of 1,611,188 alleles (0.00068%); highest among the groups gnomAD compares: South Asian, 0.011%; 1 homozygote.

Submissions (2):

CeGaT Center for Human Genetics Tuebingen
Classification: Likely benign. Last evaluated: 2026-01-01. Review status: criteria provided, single submitter. Criteria: CeGaT Center For Human Genetics Tuebingen Variant Classification Criteria Version 2. Collection method: clinical testing. Allele origin: germline. Affected: yes. Observed: 1 variant allele.
Comment: IFT54: BP4, BP7

Labcorp Genetics (formerly Invitae), Labcorp
Classification: Likely benign. Last evaluated: 2020-01-23. Review status: criteria provided, single submitter. Criteria: Invitae Variant Classification Sherloc (09022015). Collection method: clinical testing. Allele origin: germline.

NM_015650.4(IFT54):c.1551C>T (p.Leu517=)

Gene: IFT54 (intraflagellar transport 54; plus strand). Cytogenetic location: 2q37.3.
Variant type: single nucleotide variant.
Coding change: c.1551C>T on transcript NM_015650.4 (MANE Select); coding-DNA position 1551, C replaced by T.
Protein change: p.Leu517=; no amino-acid change (leucine 517 retained).
Molecular consequence: synonymous variant.
Genome position (GRCh38, 1-based): chr2:238,352,926, C>T. VCF-style: chr2-238352926-C-T. GRCh37 (hg19) VCF-style: chr2-239261567-C-T.
Other names: c.1353C>T, p.Leu451= (NM_001139490.1).
Identifiers: ClinVar variation 1148405 (VCV001148405.13), dbSNP rs761347974, ClinGen allele CA2198477.